The following is an entry in ClinVar:

ClinVar aggregate classification (germline): Uncertain significance. Review status: criteria provided, multiple submitters, no conflicts (2 of 4 stars). 2 submissions from 2 submitters: Uncertain significance (2). Last evaluated 2025-12-17.

Conditions:
Inborn genetic diseases. Identifiers: MedGen C0950123, MeSH D030342.

gnomAD v4.1: 50 of 1,275,786 alleles (0.0039%); highest among the groups gnomAD compares: Non-Finnish European, 0.0047%; no homozygotes.

Submissions (2):

Labcorp Genetics (formerly Invitae), Labcorp
Classification: Uncertain significance. Last evaluated: 2025-12-17. Review status: criteria provided, single submitter. Criteria: Invitae Variant Classification Sherloc (09022015). Collection method: clinical testing. Allele origin: germline.
Comment: This sequence change replaces alanine, which is neutral and non-polar, with threonine, which is neutral and polar, at codon 35 of the GALNT2 protein (p.Ala35Thr). The frequency data for this variant in the population databases is considered unreliable, as metrics indicate poor data quality at this position in the gnomAD database. This variant has not been reported in the literature in individuals affected with GALNT2-related conditions. An algorithm developed to predict the effect of missense changes on protein structure and function (PolyPhen-2) suggests that this variant is likely to be tolerated. In summary, the available evidence is currently insufficient to determine the role of this variant in disease. Therefore, it has been classified as a Variant of Uncertain Significance.

Ambry Genetics
Classification: Uncertain significance for Inborn genetic diseases. Last evaluated: 2025-12-04. Review status: criteria provided, single submitter. Criteria: Ambry Variant Classification Scheme 2023. Collection method: clinical testing. Allele origin: germline.

NM_004481.5(GALNT2):c.103G>A (p.Ala35Thr)

Genes: GALNT2 (polypeptide N-acetylgalactosaminyltransferase 2; plus strand), LOC129932743 (ATAC-STARR-seq lymphoblastoid silent region 1936; plus strand). Cytogenetic location: 1q42.13.
Variant type: single nucleotide variant.
Coding change: c.103G>A on transcript NM_004481.5 (MANE Select); coding-DNA position 103, G replaced by A.
Protein change: p.Ala35Thr; replaces alanine 35 with threonine.
Molecular consequence: missense variant. On other transcripts: non-coding transcript variant (1), intron variant (1).
Genome position (GRCh38, 1-based): chr1:230,067,383, G>A. VCF-style: chr1-230067383-G-A. GRCh37 (hg19) VCF-style: chr1-230203130-G-A.
Other names: c.12+9305G>A (NM_001291866.2); short protein forms A35T.
Identifiers: ClinVar variation 4620577 (VCV004620577.2).
Genomic context (GRCh38, chr1:230,067,383, plus strand): 5'-TGGGTGCTGGGCATCGCCTACTACATGTACTCGGGGGGCGGCTCTGCGCTGGCCGGGGGC[G>A]CGGGCGGCGGCGCCGGCAGGAAGGTGAGTGGAGCGCCCTGCCGCGGCCGGGCCCCTGCGC-3'
Protein context (NP_004472.1, residues 25-45): SGGGSALAGG[Ala35Thr]GGGAGRKEDW